The following is an entry in ClinVar:

NM_002788.4(PSMA3):c.604C>T (p.His202Tyr)

Genes: PSMA3 (proteasome 20S subunit alpha 3; plus strand), PSMA3-AS1 (PSMA3 antisense RNA 1; minus strand). Cytogenetic location: 14q23.1.
Variant type: single nucleotide variant.
Coding change: c.604C>T on transcript NM_002788.4 (MANE Select); coding-DNA position 604, C replaced by T.
Protein change: p.His202Tyr; replaces histidine 202 with tyrosine.
Molecular consequence: missense variant. On other transcripts: non-coding transcript variant (1).
Genome position (GRCh38, 1-based): chr14:58,270,431, C>T. VCF-style: chr14-58270431-C-T. GRCh37 (hg19) VCF-style: chr14-58737149-C-T.
Other names: c.583C>T, p.His195Tyr (NM_152132.3); short protein forms H195Y, H202Y.
Identifiers: ClinVar variation 3678776 (VCV003678776.2).

ClinVar aggregate classification (germline): Uncertain significance (1 of 4 stars; one submission).

Submission:

Labcorp Genetics (formerly Invitae), Labcorp
Classification: Uncertain significance. Last evaluated: 2024-08-28. Review status: criteria provided, single submitter. Criteria: Invitae Variant Classification Sherloc (09022015). Collection method: clinical testing. Allele origin: germline.
Comment: This sequence change replaces histidine, which is basic and polar, with tyrosine, which is neutral and polar, at codon 202 of the PSMA3 protein (p.His202Tyr). This variant is present in population databases (rs769071671, gnomAD 0.03%). This variant has not been reported in the literature in individuals affected with PSMA3-related conditions. An algorithm developed to predict the effect of missense changes on protein structure and function (PolyPhen-2) suggests that this variant is likely to be tolerated. In summary, the available evidence is currently insufficient to determine the role of this variant in disease. Therefore, it has been classified as a Variant of Uncertain Significance.